The following is an entry in ClinVar:

NM_004415.4(DSP):c.8536C>T (p.Arg2846Trp)

Gene: DSP (desmoplakin; plus strand). Cytogenetic location: 6p24.3.
Variant type: single nucleotide variant.
Coding change: c.8536C>T on transcript NM_004415.4 (MANE Select); coding-DNA position 8536, C replaced by T.
Protein change: p.Arg2846Trp; replaces arginine 2846 with tryptophan.
Molecular consequence: missense variant.
Genome position (GRCh38, 1-based): chr6:7,585,798, C>T. VCF-style: chr6-7585798-C-T. GRCh37 (hg19) VCF-style: chr6-7586031-C-T.
Other names: c.6739C>T, p.Arg2247Trp (NM_001008844.3); c.7207C>T, p.Arg2403Trp (NM_001319034.2); short protein forms R2247W, R2403W, R2846W.
Identifiers: ClinVar variation 2930298 (VCV002930298.4), dbSNP rs397516972, ClinGen allele CA362695329.
Genomic context (GRCh38, chr6:7,585,798, plus strand): 5'-CGCTCCGGCTCCCGCTCGGGATCTCGCTCCGGATCTCGCTCCGGGTCCCGCAGTGGGTCC[C>T]GGAGAGGAAGCTTTGACGCCACAGGGAATTCTTCCTACTCTTATTCCTACTCATTTAGCA-3'
Protein context (NP_004406.2, residues 2836-2856): GSRSGSRSGS[Arg2846Trp]RGSFDATGNS

ClinVar aggregate classification (germline): Uncertain significance. Review status: criteria provided, multiple submitters, no conflicts (2 of 4 stars). 2 submissions from 2 submitters: Uncertain significance (2). Last evaluated 2026-02-27.

Conditions:
Cardiovascular phenotype. Identifiers: MedGen CN230736.
Arrhythmogenic cardiomyopathy with wooly hair and keratoderma. Also called: PALMOPLANTAR KERATODERMA WITH LEFT VENTRICULAR CARDIOMYOPATHY AND WOOLLY HAIR; Carvajal syndrome; Dilated cardiomyopathy with woolly hair and keratoderma; Arrhythmogenic cardiomyopathy with woolly hair and keratoderma. Identifiers: Orphanet 65282, MedGen C1854063, MONDO:0011581, OMIM 605676.
Arrhythmogenic right ventricular dysplasia 8 (ARVD8). Also called: Arrhythmogenic Right Ventricular Dysplasia/Cardiomyopathy 8; ARRHYTHMOGENIC RIGHT VENTRICULAR DYSPLASIA, FAMILIAL, 8; ARRHYTHMOGENIC RIGHT VENTRICULAR CARDIOMYOPATHY 8. Identifiers: MedGen C1843896, MONDO:0011831, OMIM 607450.

gnomAD v4.1: 2 of 1,610,858 alleles (0.00012%); highest among the groups gnomAD compares: Non-Finnish European, 0.00017%; no homozygotes.

Submissions (2):

Ambry Genetics
Classification: Uncertain significance for Cardiovascular phenotype. Last evaluated: 2026-02-27. Review status: criteria provided, single submitter. Criteria: Ambry Variant Classification Scheme 2023. Collection method: clinical testing. Allele origin: germline.

Labcorp Genetics (formerly Invitae), Labcorp
Classification: Uncertain significance for Arrhythmogenic cardiomyopathy with wooly hair and keratoderma; Arrhythmogenic right ventricular dysplasia 8. Last evaluated: 2026-02-02. Review status: criteria provided, single submitter. Criteria: Invitae Variant Classification Sherloc (09022015). Collection method: clinical testing. Allele origin: germline.
Comment: This sequence change replaces arginine, which is basic and polar, with tryptophan, which is neutral and slightly polar, at codon 2846 of the DSP protein (p.Arg2846Trp). This variant is not present in population databases (gnomAD no frequency). This variant has not been reported in the literature in individuals affected with DSP-related conditions. ClinVar contains an entry for this variant (Variation ID: 2930298). An algorithm developed to predict the effect of missense changes on protein structure and function (PolyPhen-2) suggests that this variant is likely to be disruptive. In summary, the available evidence is currently insufficient to determine the role of this variant in disease. Therefore, it has been classified as a Variant of Uncertain Significance.